The following is an entry in ClinVar:

NM_000038.6(APC):c.2747_2750dup (p.Glu918fs)

Gene: APC (APC regulator of Wnt signaling pathway; plus strand). Cytogenetic location: 5q22.2.
Variant type: Duplication.
Coding change: c.2747_2750dup on transcript NM_000038.6 (MANE Select); coding-DNA positions 2747 to 2750, 4 bases duplicated (CAGA; older notation c.2747_2750dupCAGA).
Protein change: p.Glu918fs; shifts the reading frame from glutamic acid 918.
Molecular consequence: frameshift variant.
Genome position (GRCh38, 1-based): chr5:112,838,341-112,838,344, CAGA duplicated; duplicating any 4 consecutive bases within chr5:112,838,339-112,838,344 gives the same sequence; the c. name uses the placement nearest the transcript's 3' end. VCF-style (leftmost placement, unchanged base first): chr5-112838338-T-TGACA. GRCh37 (hg19) VCF-style: chr5-112174035-T-TGACA.
Other names: c.2747_2750dup, p.Glu918fs (NM_001127510.3, NM_001354895.2); c.2693_2696dup, p.Glu900fs (NM_001127511.3); c.2801_2804dup, p.Glu936fs (NM_001354896.2); c.2777_2780dup, p.Glu928fs (NM_001354897.2); c.2672_2675dup, p.Glu893fs (NM_001354898.2); c.2663_2666dup, p.Glu890fs (NM_001354899.2); c.2624_2627dup, p.Glu877fs (NM_001354900.2); c.2570_2573dup, p.Glu859fs (NM_001354901.2); and 16 more; short protein forms E758fs, E792fs, E817fs, E890fs, E893fs, E936fs, E635fs, E827fs.
Identifiers: ClinVar variation 2170573 (VCV002170573.4), dbSNP rs2533446257, ClinGen allele CA2580072788.

ClinVar aggregate classification (germline): Pathogenic (1 of 4 stars; one submission).

Conditions:
Familial adenomatous polyposis 1 (FAP1). Also called: POLYPOSIS, ADENOMATOUS INTESTINAL; FAMILIAL ADENOMATOUS POLYPOSIS 1, ATTENUATED. Identifiers: MedGen C2713442, MONDO:0021056, OMIM 175100. Disease mechanism: loss of function.

Submission:

Labcorp Genetics (formerly Invitae), Labcorp
Classification: Pathogenic for Familial adenomatous polyposis 1. Last evaluated: 2022-08-09. Review status: criteria provided, single submitter. Criteria: Invitae Variant Classification Sherloc (09022015). Collection method: clinical testing. Allele origin: germline.
Comment: For these reasons, this variant has been classified as Pathogenic. A different truncation (p.Tyr2645Lysfs*14) that lies downstream of this variant has been determined to be pathogenic (PMID: 9824584, 1316610, 27081525, 8381579, 22135120, Invitae). This suggests that deletion of this region of the APC protein is causative of disease. This variant is expected to disrupt the EB1 and HDLG binding sites, which mediate interactions with the cytoskeleton (PMID: 15311282, 17293347). While functional studies have not been performed to directly test the effect on APC protein function, this suggests that disruption of the C-terminal portion of the protein is functionally important. This variant has not been reported in the literature in individuals affected with APC-related conditions. This variant is not present in population databases (gnomAD no frequency). This sequence change creates a premature translational stop signal (p.Glu918Argfs*2) in the APC gene. While this is not anticipated to result in nonsense mediated decay, it is expected to disrupt the last 1926 amino acid(s) of the APC protein.

Literature cited by the submitters: PubMed 9824584; PubMed 1316610; PubMed 27081525; PubMed 8381579; PubMed 22135120; PubMed 15311282; PubMed 17293347.